The following is an entry in ClinVar:

NM_053274.3(GLMN):c.1009-2A>G

Gene: GLMN (glomulin; minus strand). Cytogenetic location: 1p22.1.
Variant type: single nucleotide variant.
Coding change: c.1009-2A>G on transcript NM_053274.3 (MANE Select); the canonical splice acceptor site of the intron before coding-DNA position 1009, A replaced by G.
Molecular consequence: splice acceptor variant.
Genome position (GRCh38, 1-based): chr1:92,268,004, T>C on the plus strand (A>G on the coding strand, the complement: GLMN is on the minus strand). VCF-style: chr1-92268004-T-C. GRCh37 (hg19) VCF-style: chr1-92733561-T-C.
Other names: c.1009-2A>G (NM_001319683.2).
Identifiers: ClinVar variation 3771932 (VCV003771932.14).

ClinVar aggregate classification (germline): Conflicting classifications of pathogenicity. Review status: criteria provided, conflicting classifications (1 of 4 stars). 2 submissions from 2 submitters: Likely pathogenic (1); Uncertain significance (1). Last evaluated 2025-01-01.

Conditions:
Glomuvenous malformation. Also called: GLOMANGIOMAS, MULTIPLE; GLOMUS TUMORS, MULTIPLE; VENOUS MALFORMATIONS WITH GLOMUS CELLS; Familial glomangioma. Identifiers: Orphanet 83454, MedGen C1841984, MONDO:0007672, OMIM 138000.

gnomAD v4.1: 16 of 1,532,184 alleles (0.001%); highest among the groups gnomAD compares: Non-Finnish European, 0.0014%; no homozygotes.

Submissions (2):

CeGaT Center for Human Genetics Tuebingen
Classification: Uncertain significance. Last evaluated: 2025-01-01. Review status: criteria provided, single submitter. Criteria: CeGaT Center For Human Genetics Tuebingen Variant Classification Criteria Version 2. Collection method: clinical testing. Allele origin: germline. Affected: yes. Observed: 1 variant allele.
Comment: GLMN: PVS1:Moderate

Revvity Omics, Revvity
Classification: Likely pathogenic for Glomuvenous malformation. Last evaluated: 2024-02-28. Review status: criteria provided, single submitter. Criteria: ACMG Guidelines, 2015. Collection method: clinical testing. Allele origin: germline.